The following is an entry in ClinVar:

ClinVar aggregate classification (germline): Uncertain significance (1 of 4 stars; one submission).

Allele frequency attached by ClinVar (database versions not stated): TOPMed below 0.00001; gnomAD 0.00001; gnomAD exomes 0.00001.

Submission:

Labcorp Genetics (formerly Invitae), Labcorp
Classification: Uncertain significance. Last evaluated: 2022-10-17. Review status: criteria provided, single submitter. Criteria: Invitae Variant Classification Sherloc (09022015). Collection method: clinical testing. Allele origin: germline.
Comment: In summary, the available evidence is currently insufficient to determine the role of this variant in disease. Therefore, it has been classified as a Variant of Uncertain Significance. Algorithms developed to predict the effect of missense changes on protein structure and function (SIFT, PolyPhen-2, Align-GVGD) all suggest that this variant is likely to be tolerated. This variant has not been reported in the literature in individuals affected with SLC7A14-related conditions. This variant is not present in population databases (gnomAD no frequency). This sequence change replaces glutamic acid, which is acidic and polar, with lysine, which is basic and polar, at codon 33 of the SLC7A14 protein (p.Glu33Lys).

NM_020949.3(SLC7A14):c.97G>A (p.Glu33Lys)

Genes: SLC7A14 (solute carrier family 7 member 14; minus strand), SLC7A14-AS1 (SLC7A14 antisense RNA 1; plus strand). Cytogenetic location: 3q26.2.
Variant type: single nucleotide variant.
Coding change: c.97G>A on transcript NM_020949.3 (MANE Select); coding-DNA position 97, G replaced by A.
Protein change: p.Glu33Lys; replaces glutamic acid 33 with lysine.
Molecular consequence: missense variant.
Genome position (GRCh38, 1-based): chr3:170,526,840, C>T on the plus strand (G>A on the coding strand, the complement: SLC7A14 is on the minus strand). VCF-style: chr3-170526840-C-T. GRCh37 (hg19) VCF-style: chr3-170244629-C-T.
Other names: short protein forms E33K.
Identifiers: ClinVar variation 1946720 (VCV001946720.5), dbSNP rs1422576480, ClinGen allele CA355520233.
Genomic context (GRCh38, chr3:170,526,840, plus strand): 5'-GTACCTGGGCTAGCTTAGTTCCATGTGCCGTGGTGGTCCCAGTTCCCTCTAGCATGGACT[C>T]CACTGGTTTGGTGCGTAGGATCCTGGAGTGCATTGCATACCAGGCAGCTCCCCACTGCAC-3'
Protein context (NP_066000.2, residues 23-43): HSRILRTKPV[Glu33Lys]SMLEGTGTTT